The following is an entry in ClinVar:

ClinVar aggregate classification (germline): Uncertain significance. Review status: criteria provided, multiple submitters, no conflicts (2 of 4 stars). 3 submissions from 2 submitters: Uncertain significance (3). Last evaluated 2023-09-01.

Conditions:
Schwartz-Jampel syndrome. Also called: Myotonic myopathy dwarfism chondrodystrophy and ocular and facial abnormalities. Identifiers: Orphanet 800, MedGen C0036391, MONDO:0009717.
Lethal Kniest-like syndrome (DDSH). Also called: Dyssegmental Dysplasia. Identifiers: Orphanet 1865, MedGen C1857100, MONDO:0009140, OMIM 224410.

Allele frequency attached by ClinVar (database versions not stated): gnomAD exomes below 0.00001; ExAC 0.00001.
gnomAD v4.1: 2 of 1,613,790 alleles (0.00012%); highest among the groups gnomAD compares: Non-Finnish European, 0.00017%; no homozygotes.

Submissions (3):

CeGaT Center for Human Genetics Tuebingen
Classification: Uncertain significance. Last evaluated: 2023-09-01. Review status: criteria provided, single submitter. Criteria: CeGaT Center For Human Genetics Tuebingen Variant Classification Criteria Version 2. Collection method: clinical testing. Allele origin: germline. Affected: yes. Observed: 1 variant allele.
Comment: HSPG2: PM2

Illumina Laboratory Services, Illumina
Classification: Uncertain significance for Schwartz-Jampel syndrome type 1. Last evaluated: 2018-01-12. Review status: criteria provided, single submitter. Criteria: ICSL Variant Classification Criteria 13 December 2019. Collection method: clinical testing. Allele origin: germline.

Illumina Laboratory Services, Illumina
Classification: Uncertain significance for Lethal Kniest-like syndrome. Last evaluated: 2018-01-12. Review status: criteria provided, single submitter. Criteria: ICSL Variant Classification Criteria 13 December 2019. Collection method: clinical testing. Allele origin: germline.

NM_005529.7(HSPG2):c.12988G>A (p.Gly4330Ser)

Genes: LDLRAD2 (low density lipoprotein receptor class A domain containing 2; plus strand), HSPG2 (heparan sulfate proteoglycan 2; minus strand). Cytogenetic location: 1p36.12.
Variant type: single nucleotide variant.
Coding change: c.12988G>A on transcript NM_005529.7 (MANE Select); coding-DNA position 12988, G replaced by A.
Protein change: p.Gly4330Ser; replaces glycine 4330 with serine.
Molecular consequence: missense variant. On other transcripts: 3 prime UTR variant (1).
Genome position (GRCh38, 1-based): chr1:21,823,631, C>T on the plus strand (G>A on the coding strand, the complement: HSPG2 is on the minus strand). VCF-style: chr1-21823631-C-T. GRCh37 (hg19) VCF-style: chr1-22150124-C-T.
Other names: c.12991G>A, p.Gly4331Ser (NM_001291860.2); c.*1416C>T (NM_001013693.3); short protein forms G4331S, G4330S.
Identifiers: ClinVar variation 875516 (VCV000875516.28), dbSNP rs769986876, ClinGen allele CA669190.